The following is an entry in ClinVar:

NM_005228.5(EGFR):c.2374C>T (p.Leu792Phe)

Genes: EGFR-AS1 (EGFR antisense RNA 1; minus strand), EGFR (epidermal growth factor receptor; plus strand). Cytogenetic location: 7p11.2.
Variant type: single nucleotide variant.
Coding change: c.2374C>T on transcript NM_005228.5 (MANE Select); coding-DNA position 2374, C replaced by T.
Protein change: p.Leu792Phe; replaces leucine 792 with phenylalanine.
Molecular consequence: missense variant. On other transcripts: non-coding transcript variant (1).
Genome position (GRCh38, 1-based): chr7:55,181,383, C>T. VCF-style: chr7-55181383-C-T. GRCh37 (hg19) VCF-style: chr7-55249076-C-T.
Other names: c.2239C>T, p.Leu747Phe (NM_001346897.2, NM_001346899.2); c.2374C>T, p.Leu792Phe (NM_001346898.2); c.2215C>T, p.Leu739Phe (NM_001346900.2); c.1573C>T, p.Leu525Phe (NM_001346941.2); c.2374C>T (NM_005228.3); short protein forms L739F, L747F, L525F, L792F.
Identifiers: ClinVar variation 1404199 (VCV001404199.9), dbSNP rs2128958658, ClinGen allele CA367578864.

ClinVar aggregate classification (germline): Uncertain significance. Review status: criteria provided, multiple submitters, no conflicts (2 of 4 stars). 2 submissions from 2 submitters: Uncertain significance (2). Last evaluated 2025-08-22.

Conditions:
EGFR-related lung cancer (EGFR). Identifiers: MedGen CN130014.
Hereditary cancer-predisposing syndrome. Also called: Hereditary neoplastic syndrome; Hereditary Cancer Syndrome; Neoplastic Syndromes, Hereditary; Tumor predisposition. Identifiers: Orphanet 140162, MedGen C0027672, MeSH D009386, MONDO:0015356.

Allele frequency attached by ClinVar (database versions not stated): gnomAD exomes below 0.00001.
gnomAD v4.1: 2 of 1,614,230 alleles (0.00012%); highest among the groups gnomAD compares: Non-Finnish European, 0.00017%; no homozygotes.

Submissions (2):

Ambry Genetics
Classification: Uncertain significance for Hereditary cancer-predisposing syndrome. Last evaluated: 2025-08-22. Review status: criteria provided, single submitter. Criteria: Ambry Variant Classification Scheme 2023. Collection method: clinical testing. Allele origin: germline.
Comment: The p.L792F variant (also known as c.2374C>T), located in coding exon 20 of the EGFR gene, results from a C to T substitution at nucleotide position 2374. The leucine at codon 792 is replaced by phenylalanine, an amino acid with highly similar properties. This variant was reported in individual(s) with lung adenocarcinoma (Lu S et al. J Thorac Oncol, 2019 Apr;14:732-736). This amino acid position is highly conserved in available vertebrate species. In addition, the in silico prediction for this alteration is inconclusive. Based on the available evidence, the clinical significance of this variant remains unclear.

Labcorp Genetics (formerly Invitae), Labcorp
Classification: Uncertain significance for EGFR-related lung cancer. Last evaluated: 2024-04-27. Review status: criteria provided, single submitter. Criteria: Invitae Variant Classification Sherloc (09022015). Collection method: clinical testing. Allele origin: germline.
Comment: This sequence change replaces leucine, which is neutral and non-polar, with phenylalanine, which is neutral and non-polar, at codon 792 of the EGFR protein (p.Leu792Phe). This variant is not present in population databases (gnomAD no frequency). This missense change has been observed in individual(s) with lung cancer (PMID: 30610926). ClinVar contains an entry for this variant (Variation ID: 1404199). Advanced modeling of protein sequence and biophysical properties (such as structural, functional, and spatial information, amino acid conservation, physicochemical variation, residue mobility, and thermodynamic stability) performed at Invitae indicates that this missense variant is not expected to disrupt EGFR protein function with a negative predictive value of 80%. In summary, the available evidence is currently insufficient to determine the role of this variant in disease. Therefore, it has been classified as a Variant of Uncertain Significance.

Literature cited by the submitters: PubMed 30610926 (cited by Ambry Genetics and Labcorp Genetics (formerly Invitae), Labcorp).